The following is an entry in ClinVar:

ClinVar aggregate classification (germline): Pathogenic (1 of 4 stars; one submission).

Conditions:
Osteogenesis imperfecta type I (OI1). Also called: OI, TYPE I; OSTEOGENESIS IMPERFECTA TARDA; OSTEOGENESIS IMPERFECTA WITH BLUE SCLERAE; Osteogenesis imperfecta type 1; Lobstein disease; Classic Non-deforming Osteogenesis Imperfecta with Blue Sclerae. Identifiers: Orphanet 216796, Orphanet 666, MedGen C0023931, MONDO:0008146, OMIM 166200. Disease mechanism: loss of function.

Submission:

Labcorp Genetics (formerly Invitae), Labcorp
Classification: Pathogenic for Osteogenesis imperfecta type I. Last evaluated: 2021-06-10. Review status: criteria provided, single submitter. Criteria: Invitae Variant Classification Sherloc (09022015). Collection method: clinical testing. Allele origin: germline.
Comment: This sequence change replaces glycine with cysteine at codon 275 of the COL1A1 protein (p.Gly275Cys). The glycine residue is highly conserved and there is a large physicochemical difference between glycine and cysteine. This variant is not present in population databases (ExAC no frequency). This variant has not been reported in the literature in individuals with COL1A1-related conditions. ClinVar contains an entry for this variant (Variation ID: 665914). Advanced modeling of protein sequence and biophysical properties (such as structural, functional, and spatial information, amino acid conservation, physicochemical variation, residue mobility, and thermodynamic stability) performed at Invitae indicates that this missense variant is expected to disrupt COL1A1 protein function. This variant disrupts the triple helix domain of COL1A1. Glycine residues within the Gly-Xaa-Yaa repeats of the triple helix domain are required for the structure and stability of fibrillar collagens (PMID: 7695699, 8218237, 19344236). In COL1A1, variants affecting these glycine residues are significantly enriched in individuals with disease (PMID: 9016532, 17078022) compared to the general population (ExAC). For these reasons, this variant has been classified as Pathogenic. This variant disrupts the p.Gly275 (also known as p.Gly97) amino acid residue in COL1A1. Other variant(s) that disrupt this residue have been observed in individuals with COL1A1-related conditions (PMID: 1460046, 17078022, 27509835), which suggests that this may be a clinically significant amino acid residue.

Literature cited by the submitters: PubMed 7695699; PubMed 8218237; PubMed 19344236; PubMed 9016532; PubMed 17078022; PubMed 1460046; PubMed 27509835.

NM_000088.4(COL1A1):c.823G>T (p.Gly275Cys)

Genes: COL1A1 (collagen type I alpha 1 chain; minus strand), LOC126862586 (CDK7 strongly-dependent group 2 enhancer GRCh37_chr17:48273702-48274901; plus strand). Cytogenetic location: 17q21.33.
Variant type: single nucleotide variant.
Coding change: c.823G>T on transcript NM_000088.4 (MANE Select); coding-DNA position 823, G replaced by T.
Protein change: p.Gly275Cys; replaces glycine 275 with cysteine.
Molecular consequence: missense variant.
Genome position (GRCh38, 1-based): chr17:50,196,652, C>A on the plus strand (G>T on the coding strand, the complement: COL1A1 is on the minus strand). VCF-style: chr17-50196652-C-A. GRCh37 (hg19) VCF-style: chr17-48274013-C-A.
Other names: short protein forms G275C.
Identifiers: ClinVar variation 665914 (VCV000665914.9), dbSNP rs72645332, ClinGen allele CA400222611.
Genomic context (GRCh38, chr17:50,196,652, plus strand): 5'-CCATGATGTTCAGACAGCCTCTTACCTTAGGACCAGCAGGACCAGCATCTCCCTTGGCAC[C>A]ATCCAAACCACTGAAACCCTAAAGCAGGAAAGAGGTAGAAGGTAAGAACCTGTGGAGGGG-3'
Protein context (NP_000079.2, residues 265-285): KGHRGFSGLD[Gly275Cys]AKGDAGPAGP